The following is an entry in ClinVar:

NM_016529.6(ATP8A2):c.3032C>T (p.Thr1011Ile)

Gene: ATP8A2 (ATPase phospholipid transporting 8A2). Cytogenetic location: 13q12.13.
Variant type: single nucleotide variant.
Coding change: c.3032C>T on transcript NM_016529.6 (MANE Select); coding-DNA position 3032, C replaced by T.
Protein change: p.Thr1011Ile; replaces threonine 1011 with isoleucine.
Molecular consequence: missense variant.
Genome position (GRCh38, 1-based): chr13:25,860,817, C>T. VCF-style: chr13-25860817-C-T. GRCh37 (hg19) VCF-style: chr13-26434955-C-T.
Other names: c.2837C>T, p.Thr946Ile (NM_001313741.1); c.2957C>T, p.Thr986Ile (NM_001411005.1); c.3032C>T, p.Thr1011Ile (NM_001411006.1); short protein forms T946I, T986I, T1011I.
Identifiers: ClinVar variation 1901587 (VCV001901587.5), dbSNP rs2542625426, ClinGen allele CA387684170.

ClinVar aggregate classification (germline): Uncertain significance (1 of 4 stars; one submission).

gnomAD v4.1: 1 of 1,596,772 alleles (0.000063%); highest among the groups gnomAD compares: Non-Finnish European, 0.000086%; no homozygotes.

Submission:

Labcorp Genetics (formerly Invitae), Labcorp
Classification: Uncertain significance. Last evaluated: 2022-03-19. Review status: criteria provided, single submitter. Criteria: Invitae Variant Classification Sherloc (09022015). Collection method: clinical testing. Allele origin: germline.
Comment: In summary, the available evidence is currently insufficient to determine the role of this variant in disease. Therefore, it has been classified as a Variant of Uncertain Significance. Algorithms developed to predict the effect of missense changes on protein structure and function are either unavailable or do not agree on the potential impact of this missense change (SIFT: "Tolerated"; PolyPhen-2: "Probably Damaging"; Align-GVGD: "Class C0"). This variant has not been reported in the literature in individuals affected with ATP8A2-related conditions. This variant is not present in population databases (gnomAD no frequency). This sequence change replaces threonine, which is neutral and polar, with isoleucine, which is neutral and non-polar, at codon 1011 of the ATP8A2 protein (p.Thr1011Ile).